The following is an entry in ClinVar:

NM_198576.4(AGRN):c.5533G>A (p.Gly1845Arg)

Gene: AGRN (agrin; plus strand). Cytogenetic location: 1p36.33.
Variant type: single nucleotide variant.
Coding change: c.5533G>A on transcript NM_198576.4 (MANE Select); coding-DNA position 5533, G replaced by A.
Protein change: p.Gly1845Arg; replaces glycine 1845 with arginine.
Molecular consequence: missense variant.
Genome position (GRCh38, 1-based): chr1:1,051,615, G>A. VCF-style: chr1-1051615-G-A. GRCh37 (hg19) VCF-style: chr1-986995-G-A.
Other names: c.5545G>A, p.Gly1849Arg (NM_001305275.2); c.5230G>A, p.Gly1744Arg (NM_001364727.2); short protein forms G1849R, G1744R, G1845R.
Identifiers: ClinVar variation 1468007 (VCV001468007.6), dbSNP rs750311204, ClinGen allele CA510061.

ClinVar aggregate classification (germline): Uncertain significance (1 of 4 stars; one submission).

Conditions:
Congenital myasthenic syndrome 8. Also called: MYASTHENIC SYNDROME, CONGENITAL, DUE TO AGRIN DEFICIENCY; Myasthenic syndrome, congenital, 8, with pre- and postsynaptic defects. Identifiers: Orphanet 590, MedGen C3808739, MONDO:0014052, OMIM 615120.

Allele frequency attached by ClinVar (database versions not stated): gnomAD exomes 0.00003; ExAC 0.00005.
gnomAD v4.1: 48 of 1,609,296 alleles (0.003%); highest among the groups gnomAD compares: Non-Finnish European, 0.0027%; no homozygotes.

Submission:

Labcorp Genetics (formerly Invitae), Labcorp
Classification: Uncertain significance for Congenital myasthenic syndrome 8. Last evaluated: 2023-08-11. Review status: criteria provided, single submitter. Criteria: Invitae Variant Classification Sherloc (09022015). Collection method: clinical testing. Allele origin: germline.
Comment: In summary, the available evidence is currently insufficient to determine the role of this variant in disease. Therefore, it has been classified as a Variant of Uncertain Significance. An algorithm developed to predict the effect of missense changes on protein structure and function (PolyPhen-2) suggests that this variant is likely to be tolerated. ClinVar contains an entry for this variant (Variation ID: 1468007). This variant has not been reported in the literature in individuals affected with AGRN-related conditions. This variant is present in population databases (rs750311204, gnomAD 0.02%). This sequence change replaces glycine, which is neutral and non-polar, with arginine, which is basic and polar, at codon 1845 of the AGRN protein (p.Gly1845Arg).